The following is an entry in ClinVar:

NM_145239.3(PRRT2):c.430C>T (p.Pro144Ser)

Genes: MVP-DT (MVP divergent transcript; minus strand), PRRT2 (proline rich transmembrane protein 2; plus strand). Cytogenetic location: 16p11.2.
Variant type: single nucleotide variant.
Coding change: c.430C>T on transcript NM_145239.3 (MANE Select); coding-DNA position 430, C replaced by T.
Protein change: p.Pro144Ser; replaces proline 144 with serine.
Molecular consequence: missense variant.
Genome position (GRCh38, 1-based): chr16:29,813,484, C>T. VCF-style: chr16-29813484-C-T. GRCh37 (hg19) VCF-style: chr16-29824805-C-T.
Other names: c.430C>T, p.Pro144Ser (NM_001256442.2, NM_001256443.2); short protein forms P144S.
Identifiers: ClinVar variation 1466526 (VCV001466526.8), dbSNP rs150501365, ClinGen allele CA395478661.

ClinVar aggregate classification (germline): Uncertain significance (1 of 4 stars; one submission).

Conditions:
Episodic kinesigenic dyskinesia (EKD). Also called: Paroxysmal kinesigenic dyskinesia. Identifiers: Orphanet 98809, MedGen C1868682, MONDO:0044202.

Submission:

Labcorp Genetics (formerly Invitae), Labcorp
Classification: Uncertain significance for Episodic kinesigenic dyskinesia. Last evaluated: 2021-01-12. Review status: criteria provided, single submitter. Criteria: Invitae Variant Classification Sherloc (09022015). Collection method: clinical testing. Allele origin: germline.
Comment: In summary, the available evidence is currently insufficient to determine the role of this variant in disease. Therefore, it has been classified as a Variant of Uncertain Significance. Algorithms developed to predict the effect of missense changes on protein structure and function output the following: SIFT: "Tolerated"; PolyPhen-2: "Benign"; Align-GVGD: "Class C0". The serine amino acid residue is found in multiple mammalian species, suggesting that this missense change does not adversely affect protein function. These predictions have not been confirmed by published functional studies and their clinical significance is uncertain. This variant has not been reported in the literature in individuals with PRRT2-related conditions. This variant is not present in population databases (ExAC no frequency). This sequence change replaces proline with serine at codon 144 of the PRRT2 protein (p.Pro144Ser). The proline residue is highly conserved and there is a moderate physicochemical difference between proline and serine.